The following is an entry in ClinVar:

ClinVar aggregate classification (germline): Uncertain significance. Review status: criteria provided, multiple submitters, no conflicts (2 of 4 stars). 2 submissions from 2 submitters: Uncertain significance (2). Last evaluated 2026-07-07.

Conditions:
Inborn genetic diseases. Identifiers: MedGen C0950123, MeSH D030342.

Allele frequency attached by ClinVar (database versions not stated): TOPMed 0.00002; ExAC 0.00003; gnomAD 0.00003.
gnomAD v4.1: 54 of 1,613,970 alleles (0.0033%); highest among the groups gnomAD compares: South Asian, 0.0066%; no homozygotes.

Submissions (2):

GeneDx
Classification: Uncertain significance. Last evaluated: 2026-07-07. Review status: criteria provided, single submitter. Criteria: GeneDx Variant Classification Process June 2021. Collection method: clinical testing. Allele origin: germline.
Comment: Not observed at significant frequency in large population cohorts (gnomAD); In silico analysis suggests that this missense variant does not alter protein structure/function; Has not been previously published as pathogenic or benign to our knowledge; This variant is associated with the following publications: (PMID: 22965130, 24388491, 25439726)

Ambry Genetics
Classification: Uncertain significance for Inborn genetic diseases. Last evaluated: 2021-02-09. Review status: criteria provided, single submitter. Criteria: Ambry Variant Classification Scheme 2023. Collection method: clinical testing. Allele origin: germline.
Comment: The p.A285V variant (also known as c.854C>T), located in coding exon 6 of the IGHMBP2 gene, results from a C to T substitution at nucleotide position 854. The alanine at codon 285 is replaced by valine, an amino acid with similar properties. This amino acid position is highly conserved in available vertebrate species. In addition, the in silico prediction for this alteration is inconclusive. Since supporting evidence is limited at this time, the clinical significance of this alteration remains unclear.

NM_002180.3(IGHMBP2):c.854C>T (p.Ala285Val)

Gene: IGHMBP2 (immunoglobulin mu DNA binding protein 2; plus strand). Cytogenetic location: 11q13.3.
Variant type: single nucleotide variant.
Coding change: c.854C>T on transcript NM_002180.3 (MANE Select); coding-DNA position 854, C replaced by T.
Protein change: p.Ala285Val; replaces alanine 285 with valine.
Molecular consequence: missense variant.
Genome position (GRCh38, 1-based): chr11:68,914,965, C>T. VCF-style: chr11-68914965-C-T. GRCh37 (hg19) VCF-style: chr11-68682433-C-T.
Other names: short protein forms A285V.
Identifiers: ClinVar variation 1763809 (VCV001763809.4), dbSNP rs201188656, ClinGen allele CA6153410.
Genomic context (GRCh38, chr11:68,914,965, plus strand): 5'-TGGGACACCCTGCCCGCCTCCTGGAGTCCATTCAGCAGCACTCCCTGGATGCGGTTTTAG[C>T]GCGGAGCGACAGTGCCCAGATTGTTGCAGATATCAGGAAGGACATCGACCAGGTCTTTGT-3'
Protein context (NP_002171.2, residues 275-295): IQQHSLDAVL[Ala285Val]RSDSAQIVAD